The following is an entry in ClinVar:

ClinVar aggregate classification (germline): Likely benign (1 of 4 stars; one submission).

Submission:

Mayo Clinic Laboratories, Mayo Clinic
Classification: Likely benign. Last evaluated: 2025-08-26. Review status: criteria provided, single submitter. Criteria: ACMG Guidelines, 2015. Collection method: clinical testing. Allele origin: germline. Observed: 1 variant allele.
Comment: BP4, BP7, PM2_supporting

NM_001321142.2(CIDEC):c.159C>T (p.Ser53=)

Gene: CIDEC (cell death inducing DFFA like effector c; minus strand). Cytogenetic location: 3p25.3.
Variant type: single nucleotide variant.
Coding change: c.159C>T on transcript NM_001321142.2 (MANE Select); coding-DNA position 159, C replaced by T.
Protein change: p.Ser53=; no amino-acid change (serine 53 retained).
Molecular consequence: synonymous variant. On other transcripts: intron variant (2).
Genome position (GRCh38, 1-based): chr3:9,877,114, G>A on the plus strand (C>T on the coding strand, the complement: CIDEC is on the minus strand). VCF-style: chr3-9877114-G-A. GRCh37 (hg19) VCF-style: chr3-9918798-G-A.
Other names: p.Ser66=; c.159C>T, p.Ser53= (NM_001199551.2, NM_001199552.2, NM_001378491.1 and 1 more transcripts); c.198C>T, p.Ser66= (NM_001199623.2); c.-16+1320C>T (NM_001321144.2, NM_001321143.2).
Identifiers: ClinVar variation 4684677 (VCV004684677.1).